The following is an entry in ClinVar:

NM_020639.3(RIPK4):c.1980C>T (p.Gly660=)

Gene: RIPK4 (receptor interacting serine/threonine kinase 4; minus strand). Cytogenetic location: 21q22.3.
Variant type: single nucleotide variant.
Coding change: c.1980C>T on transcript NM_020639.3 (MANE Select); coding-DNA position 1980, C replaced by T.
Protein change: p.Gly660=; no amino-acid change (glycine 660 retained).
Molecular consequence: synonymous variant.
Genome position (GRCh38, 1-based): chr21:41,741,213, G>A on the plus strand (C>T on the coding strand, the complement: RIPK4 is on the minus strand). VCF-style: chr21-41741213-G-A. GRCh37 (hg19) VCF-style: chr21-43161373-G-A.
Identifiers: ClinVar variation 340015 (VCV000340015.10), dbSNP rs144946647, ClinGen allele CA10035167.

ClinVar aggregate classification (germline): Benign. Review status: criteria provided, multiple submitters, no conflicts (2 of 4 stars). 3 submissions from 3 submitters: Benign (3). Last evaluated 2019-12-31.

Conditions:
Bartsocas-Papas syndrome 1. Also called: Bartsocas-Papas syndrome; MULTIPLE PTERYGIUM SYNDROME, ASLAN TYPE; PTERYGIUM, POPLITEAL, LETHAL TYPE. Identifiers: Orphanet 1234, MedGen C1849718, MONDO:0009901, OMIM 263650.

Allele frequency attached by ClinVar (database versions not stated): ESP Exome Variant Server 0.00008; gnomAD 0.00008 and 0.00072; TOPMed 0.00012; gnomAD exomes 0.00137 and 0.00289; ExAC 0.00311; 1000 Genomes Project 30x 0.00531; 1000 Genomes Project 0.00559.
gnomAD v4.1: 2,113 of 1,609,132 alleles (0.13%); highest among the groups gnomAD compares: South Asian, 2.2%; 40 homozygotes.

Submissions (3):

Labcorp Genetics (formerly Invitae), Labcorp
Classification: Benign. Last evaluated: 2019-12-31. Review status: criteria provided, single submitter. Criteria: Invitae Variant Classification Sherloc (09022015). Collection method: clinical testing. Allele origin: germline.

Illumina Laboratory Services, Illumina
Classification: Benign for Bartsocas-Papas syndrome 1. Last evaluated: 2018-01-13. Review status: criteria provided, single submitter. Criteria: ICSL Variant Classification Criteria 13 December 2019. Collection method: clinical testing. Allele origin: germline.
Comment: This variant was observed in the ICSL laboratory as part of a predisposition screen in an ostensibly healthy population. It had not been previously curated by ICSL or reported in the Human Gene Mutation Database (HGMD: prior to June 1st, 2018), and was therefore a candidate for classification through an automated scoring system. Utilizing variant allele frequency, disease prevalence and penetrance estimates, and inheritance mode, an automated score was calculated to assess if this variant is too frequent to cause the disease. Based on the score and internal cut-off values, a variant classified as benign is not then subjected to further curation. The score for this variant resulted in a classification of benign for this disease.

Breakthrough Genomics
Classification: Benign. Review status: criteria provided, single submitter. Criteria: ACMG Guidelines, 2015. Collection method: not provided. Allele origin: germline. Inheritance: Autosomal recessive inheritance. Affected: yes.